The following is an entry in ClinVar:

NM_000465.4(BARD1):c.1702G>A (p.Gly568Arg)

Gene: BARD1 (BRCA1 associated RING domain 1; minus strand). Cytogenetic location: 2q35.
Variant type: single nucleotide variant.
Coding change: c.1702G>A on transcript NM_000465.4 (MANE Select); coding-DNA position 1702, G replaced by A.
Protein change: p.Gly568Arg; replaces glycine 568 with arginine.
Molecular consequence: missense variant. On other transcripts: non-coding transcript variant (3), intron variant (1).
Genome position (GRCh38, 1-based): chr2:214,745,830, C>T on the plus strand (G>A on the coding strand, the complement: BARD1 is on the minus strand). VCF-style: chr2-214745830-C-T. GRCh37 (hg19) VCF-style: chr2-215610554-C-T.
Other names: c.1645G>A, p.Gly549Arg (NM_001282543.2); c.349G>A, p.Gly117Arg (NM_001282545.2); c.292G>A, p.Gly98Arg (NM_001282548.2); c.365-15322G>A (NM_001282549.2); short protein forms G117R, G549R, G568R, G98R.
Identifiers: ClinVar variation 1778379 (VCV001778379.4), dbSNP rs878854002, ClinGen allele CA350453249.

ClinVar aggregate classification (germline): Uncertain significance. Review status: criteria provided, multiple submitters, no conflicts (2 of 4 stars). 2 submissions from 2 submitters: Uncertain significance (2). Last evaluated 2024-08-27.

Conditions:
Hereditary cancer-predisposing syndrome. Also called: Neoplastic Syndromes, Hereditary; Tumor predisposition; Hereditary Cancer Syndrome; Hereditary neoplastic syndrome. Identifiers: Orphanet 140162, MedGen C0027672, MeSH D009386, MONDO:0015356.
Familial cancer of breast. Also called: BREAST CANCER, FAMILIAL; Hereditary breast cancer; hereditary breast carcinoma. Identifiers: Orphanet 227535, MedGen C0346153, MONDO:0016419, OMIM 114480. Disease mechanism: loss of function.

gnomAD v4.1: 1 of 1,614,032 alleles (0.000062%); highest among the groups gnomAD compares: African/African-American, 0.0013%; no homozygotes.

Submissions (2):

Labcorp Genetics (formerly Invitae), Labcorp
Classification: Uncertain significance for Familial cancer of breast. Last evaluated: 2024-08-27. Review status: criteria provided, single submitter. Criteria: Invitae Variant Classification Sherloc (09022015). Collection method: clinical testing. Allele origin: germline.
Comment: This sequence change replaces glycine, which is neutral and non-polar, with arginine, which is basic and polar, at codon 568 of the BARD1 protein (p.Gly568Arg). This variant is not present in population databases (gnomAD no frequency). This missense change has been observed in individual(s) with breast cancer (PMID: 30093976). ClinVar contains an entry for this variant (Variation ID: 1778379). An algorithm developed to predict the effect of missense changes on protein structure and function outputs the following: PolyPhen-2: "Benign". The arginine amino acid residue is found in multiple mammalian species, which suggests that this missense change does not adversely affect protein function. In summary, the available evidence is currently insufficient to determine the role of this variant in disease. Therefore, it has been classified as a Variant of Uncertain Significance.

Ambry Genetics
Classification: Uncertain significance for Hereditary cancer-predisposing syndrome. Last evaluated: 2020-04-07. Review status: criteria provided, single submitter. Criteria: Ambry Variant Classification Scheme 2023. Collection method: clinical testing. Allele origin: germline.
Comment: The p.G568R variant (also known as c.1702G>A), located in coding exon 8 of the BARD1 gene, results from a G to A substitution at nucleotide position 1702. The glycine at codon 568 is replaced by arginine, an amino acid with dissimilar properties. This amino acid position is not well conserved in available vertebrate species. In addition, this alteration is predicted to be tolerated by in silico analysis. Since supporting evidence is limited at this time, the clinical significance of this alteration remains unclear.

Literature cited by the submitters: PubMed 30093976 (cited by Labcorp Genetics (formerly Invitae), Labcorp).